The following is an entry in ClinVar:

NM_000493.4(COL10A1):c.233G>A (p.Gly78Glu)

Genes: COL10A1 (collagen type X alpha 1 chain; minus strand), NT5DC1 (5'-nucleotidase domain containing 1; plus strand). Cytogenetic location: 6q22.1.
Variant type: single nucleotide variant.
Coding change: c.233G>A on transcript NM_000493.4 (MANE Select); coding-DNA position 233, G replaced by A.
Protein change: p.Gly78Glu; replaces glycine 78 with glutamic acid.
Molecular consequence: missense variant. On other transcripts: intron variant (1).
Genome position (GRCh38, 1-based): chr6:116,121,883, C>T on the plus strand (G>A on the coding strand, the complement: COL10A1 is on the minus strand). VCF-style: chr6-116121883-C-T. GRCh37 (hg19) VCF-style: chr6-116443046-C-T.
Other names: c.233G>A, p.Gly78Glu (NM_001424106.1, NM_001424107.1); c.529+3938C>T (NM_152729.3); short protein forms G78E.
Identifiers: ClinVar variation 2109057 (VCV002109057.4), dbSNP rs1450595609, ClinGen allele CA365396854.
Genomic context (GRCh38, chr6:116,121,883, plus strand): 5'-CCTGGCAACCCTGGCTCTCCTTGGAGTCCAGGACTTCCGTAGCCTGGTTTTCCTGGTGGT[C>T]CAGAAGGACCTGGGTGCCCTCGAGGTCCAGCAGGGCCTGGTGGACCAGGAGTACCTTGCT-3'
Protein context (NP_000484.2, residues 68-88): AGPRGHPGPS[Gly78Glu]PPGKPGYGSP

ClinVar aggregate classification (germline): Uncertain significance (1 of 4 stars; one submission).

gnomAD v4.1: 4 of 1,613,946 alleles (0.00025%); highest among the groups gnomAD compares: Non-Finnish European, 0.00034%; no homozygotes.

Submission:

Labcorp Genetics (formerly Invitae), Labcorp
Classification: Uncertain significance. Last evaluated: 2022-03-15. Review status: criteria provided, single submitter. Criteria: Invitae Variant Classification Sherloc (09022015). Collection method: clinical testing. Allele origin: germline.
Comment: This sequence change replaces glycine, which is neutral and non-polar, with glutamic acid, which is acidic and polar, at codon 78 of the COL10A1 protein (p.Gly78Glu). This variant is not present in population databases (gnomAD no frequency). This variant has not been reported in the literature in individuals affected with COL10A1-related conditions. Algorithms developed to predict the effect of missense changes on protein structure and function are either unavailable or do not agree on the potential impact of this missense change (SIFT: "Deleterious"; PolyPhen-2: "Not Available"; Align-GVGD: "Class C0"). In summary, the available evidence is currently insufficient to determine the role of this variant in disease. Therefore, it has been classified as a Variant of Uncertain Significance.